The following is an entry in ClinVar:

ClinVar aggregate classification (germline): Uncertain significance. Review status: criteria provided, multiple submitters, no conflicts (2 of 4 stars). 2 submissions from 2 submitters: Uncertain significance (2). Last evaluated 2024-12-07.

Conditions:
Inborn genetic diseases. Identifiers: MedGen C0950123, MeSH D030342.
Mosaic variegated aneuploidy syndrome 2 (MVA2). Identifiers: Orphanet 1052, MedGen C3279843, MONDO:0013582, OMIM 614114.

Allele frequency attached by ClinVar (database versions not stated): gnomAD exomes 0.00001.
gnomAD v4.1: 12 of 1,613,864 alleles (0.00074%); highest among the groups gnomAD compares: Non-Finnish European, 0.001%; no homozygotes.

Submissions (2):

Ambry Genetics
Classification: Uncertain significance for Inborn genetic diseases. Last evaluated: 2024-12-07. Review status: criteria provided, single submitter. Criteria: Ambry Variant Classification Scheme 2023. Collection method: clinical testing. Allele origin: germline.
Comment: The p.P389S variant (also known as c.1165C>T), located in coding exon 10 of the CEP57 gene, results from a C to T substitution at nucleotide position 1165. The proline at codon 389 is replaced by serine, an amino acid with similar properties. This amino acid position is conserved. In addition, this alteration is predicted to be tolerated by in silico analysis. Based on the available evidence, the clinical significance of this variant remains unclear.

Labcorp Genetics (formerly Invitae), Labcorp
Classification: Uncertain significance for Mosaic variegated aneuploidy syndrome 2. Last evaluated: 2019-11-16. Review status: criteria provided, single submitter. Criteria: Invitae Variant Classification Sherloc (09022015). Collection method: clinical testing. Allele origin: germline.
Comment: This variant has not been reported in the literature in individuals with CEP57-related disease. In summary, the available evidence is currently insufficient to determine the role of this variant in disease. Therefore, it has been classified as a Variant of Uncertain Significance. Algorithms developed to predict the effect of missense changes on protein structure and function are either unavailable or do not agree on the potential impact of this missense change (SIFT: "Tolerated"; PolyPhen-2: "Probably Damaging"; Align-GVGD: "Class C0"). This variant is not present in population databases (ExAC no frequency). This sequence change replaces proline with serine at codon 389 of the CEP57 protein (p.Pro389Ser). The proline residue is moderately conserved and there is a moderate physicochemical difference between proline and serine.

NM_014679.5(CEP57):c.1165C>T (p.Pro389Ser)

Gene: CEP57 (centrosomal protein 57; plus strand). Cytogenetic location: 11q21.
Variant type: single nucleotide variant.
Coding change: c.1165C>T on transcript NM_014679.5 (MANE Select); coding-DNA position 1165, C replaced by T.
Protein change: p.Pro389Ser; replaces proline 389 with serine.
Molecular consequence: missense variant.
Genome position (GRCh38, 1-based): chr11:95,829,224, C>T. VCF-style: chr11-95829224-C-T. GRCh37 (hg19) VCF-style: chr11-95562388-C-T.
Other names: c.1138C>T, p.Pro380Ser (NM_001243776.2); c.1087C>T, p.Pro363Ser (NM_001243777.2); c.1084C>T, p.Pro362Ser (NM_001363604.2); short protein forms P389S, P362S, P363S, P380S.
Identifiers: ClinVar variation 661026 (VCV000661026.11), dbSNP rs1590960094, ClinGen allele CA382408771.